The following is an entry in ClinVar:

NM_006767.4(LZTR1):c.509+1G>T

Gene: LZTR1 (leucine zipper like post translational regulator 1; plus strand). Cytogenetic location: 22q11.21.
Variant type: single nucleotide variant.
Coding change: c.509+1G>T on transcript NM_006767.4 (MANE Select); the canonical splice donor site of the intron after coding-DNA position 509, G replaced by T.
Molecular consequence: splice donor variant.
Genome position (GRCh38, 1-based): chr22:20,988,119, G>T. VCF-style: chr22-20988119-G-T. GRCh37 (hg19) VCF-style: chr22-21342408-G-T.
Identifiers: ClinVar variation 280313 (VCV000280313.3), dbSNP rs886041542, ClinGen allele CA10603692.

ClinVar aggregate classification (germline): Likely pathogenic (1 of 4 stars; one submission).

Submission:

GeneDx
Classification: Likely pathogenic. Last evaluated: 2023-05-10. Review status: criteria provided, single submitter. Criteria: GeneDx Variant Classification Process June 2021. Collection method: clinical testing. Allele origin: germline. Affected: yes.
Comment: Canonical splice site variant predicted to result in a null allele in a gene for which loss of function is a known mechanism of disease; Not observed at significant frequency in large population cohorts (gnomAD); Has not been previously published as pathogenic or benign to our knowledge